The following is an entry in ClinVar:

ClinVar aggregate classification (germline): Uncertain significance. Review status: criteria provided, multiple submitters, no conflicts (2 of 4 stars). 2 submissions from 2 submitters: Uncertain significance (2). Last evaluated 2022-10-17.

Conditions:
Cardiovascular phenotype. Identifiers: MedGen CN230736.
Catecholaminergic polymorphic ventricular tachycardia 1. Also called: RYR2-Related Catecholaminergic Polymorphic Ventricular Tachycardia; VENTRICULAR TACHYCARDIA, STRESS-INDUCED POLYMORPHIC 1; VENTRICULAR TACHYCARDIA, CATECHOLAMINERGIC POLYMORPHIC, 1, WITH OR WITHOUT ATRIAL DYSFUNCTION AND/OR DILATED CARDIOMYOPATHY. Identifiers: Orphanet 3286, MedGen C1631597, MONDO:0011484, OMIM 604772.

Allele frequency attached by ClinVar (database versions not stated): gnomAD exomes below 0.00001; TOPMed below 0.00001; gnomAD 0.00001.
gnomAD v4.1: 2 of 1,587,950 alleles (0.00013%); highest among the groups gnomAD compares: African/African-American, 0.0027%; no homozygotes.

Submissions (2):

Ambry Genetics
Classification: Uncertain significance for Cardiovascular phenotype. Last evaluated: 2022-10-17. Review status: criteria provided, single submitter. Criteria: Ambry Variant Classification Scheme 2023. Collection method: clinical testing. Allele origin: germline.
Comment: The p.T218P variant (also known as c.652A>C), located in coding exon 8 of the TRDN gene, results from an A to C substitution at nucleotide position 652. The threonine at codon 218 is replaced by proline, an amino acid with highly similar properties. This amino acid position is conserved. In addition, this alteration is predicted to be tolerated by in silico analysis. Since supporting evidence is limited at this time, the clinical significance of this alteration remains unclear.

Labcorp Genetics (formerly Invitae), Labcorp
Classification: Uncertain significance for Catecholaminergic polymorphic ventricular tachycardia 1. Last evaluated: 2021-08-02. Review status: criteria provided, single submitter. Criteria: Invitae Variant Classification Sherloc (09022015). Collection method: clinical testing. Allele origin: germline.
Comment: In summary, the available evidence is currently insufficient to determine the role of this variant in disease. Therefore, it has been classified as a Variant of Uncertain Significance. Algorithms developed to predict the effect of missense changes on protein structure and function are either unavailable or do not agree on the potential impact of this missense change (SIFT: "Tolerated"; PolyPhen-2: "Not Available"; Align-GVGD: "Class C0"). This variant has not been reported in the literature in individuals affected with TRDN-related conditions. This variant is not present in population databases (ExAC no frequency). This sequence change replaces threonine with proline at codon 218 of the TRDN protein (p.Thr218Pro). The threonine residue is weakly conserved and there is a small physicochemical difference between threonine and proline.

NM_006073.4(TRDN):c.652A>C (p.Thr218Pro)

Gene: TRDN (triadin; minus strand). Cytogenetic location: 6q22.31.
Variant type: single nucleotide variant.
Coding change: c.652A>C on transcript NM_006073.4 (MANE Select); coding-DNA position 652, A replaced by C.
Protein change: p.Thr218Pro; replaces threonine 218 with proline.
Molecular consequence: missense variant.
Genome position (GRCh38, 1-based): chr6:123,503,860, T>G on the plus strand (A>C on the coding strand, the complement: TRDN is on the minus strand). VCF-style: chr6-123503860-T-G. GRCh37 (hg19) VCF-style: chr6-123825005-T-G.
Other names: c.652A>C, p.Thr218Pro (NM_001251987.2, NM_001256020.2, NM_001256021.2); short protein forms T218P.
Identifiers: ClinVar variation 1417066 (VCV001417066.9), dbSNP rs1778805040, ClinGen allele CA365567848.